The following is an entry in ClinVar:

NM_205836.3(FBXO38):c.341A>C (p.Tyr114Ser)

Gene: FBXO38 (F-box protein 38; plus strand). Cytogenetic location: 5q32.
Variant type: single nucleotide variant.
Coding change: c.341A>C on transcript NM_205836.3 (MANE Select); coding-DNA position 341, A replaced by C.
Protein change: p.Tyr114Ser; replaces tyrosine 114 with serine.
Molecular consequence: missense variant.
Genome position (GRCh38, 1-based): chr5:148,402,060, A>C. VCF-style: chr5-148402060-A-C. GRCh37 (hg19) VCF-style: chr5-147781623-A-C.
Other names: c.341A>C, p.Tyr114Ser (NM_001271723.2, NM_030793.5); short protein forms Y114S.
Identifiers: ClinVar variation 3693951 (VCV003693951.2).

ClinVar aggregate classification (germline): Uncertain significance (1 of 4 stars; one submission).

Conditions:
Distal hereditary motor neuropathy type 2. Identifiers: Orphanet 139525, MedGen C3711384, MeSH C580044, MONDO:0015352.

Submission:

Labcorp Genetics (formerly Invitae), Labcorp
Classification: Uncertain significance for Distal hereditary motor neuropathy type 2. Last evaluated: 2024-05-23. Review status: criteria provided, single submitter. Criteria: Invitae Variant Classification Sherloc (09022015). Collection method: clinical testing. Allele origin: germline.
Comment: This sequence change replaces tyrosine, which is neutral and polar, with serine, which is neutral and polar, at codon 114 of the FBXO38 protein (p.Tyr114Ser). This variant is not present in population databases (gnomAD no frequency). This variant has not been reported in the literature in individuals affected with FBXO38-related conditions. Advanced modeling of protein sequence and biophysical properties (such as structural, functional, and spatial information, amino acid conservation, physicochemical variation, residue mobility, and thermodynamic stability) performed at Invitae indicates that this missense variant is not expected to disrupt FBXO38 protein function with a negative predictive value of 80%. In summary, the available evidence is currently insufficient to determine the role of this variant in disease. Therefore, it has been classified as a Variant of Uncertain Significance.